The following is an entry in ClinVar:

ClinVar aggregate classification (germline): Pathogenic (1 of 4 stars; one submission).

Conditions:
Familial adenomatous polyposis 1 (FAP1). Also called: FAMILIAL ADENOMATOUS POLYPOSIS 1, ATTENUATED; POLYPOSIS, ADENOMATOUS INTESTINAL. Identifiers: MedGen C2713442, MONDO:0021056, OMIM 175100. Disease mechanism: loss of function.

Submission:

Labcorp Genetics (formerly Invitae), Labcorp
Classification: Pathogenic for Familial adenomatous polyposis 1. Last evaluated: 2019-11-01. Review status: criteria provided, single submitter. Criteria: Invitae Variant Classification Sherloc (09022015). Collection method: clinical testing. Allele origin: germline.
Comment: This sequence change creates a premature translational stop signal (p.Glu19*) in the APC gene. It is expected to result in an absent or disrupted protein product. This variant is not present in population databases (ExAC no frequency). This variant has not been reported in the literature in individuals with APC-related conditions. Loss-of-function variants in APC are known to be pathogenic (PMID: 17963004, 20685668). For these reasons, this variant has been classified as Pathogenic.

Literature cited by the submitters: PubMed 17963004; PubMed 20685668.

NM_000038.6(APC):c.55G>T (p.Glu19Ter)

Gene: APC (APC regulator of Wnt signaling pathway; plus strand). Cytogenetic location: 5q22.2.
Variant type: single nucleotide variant.
Coding change: c.55G>T on transcript NM_000038.6 (MANE Select); coding-DNA position 55, G replaced by T.
Protein change: p.Glu19Ter; replaces glutamic acid 19 with a stop codon.
Molecular consequence: nonsense. On other transcripts: 5 prime UTR variant (1), intron variant (8).
Genome position (GRCh38, 1-based): chr5:112,754,945, G>T. VCF-style: chr5-112754945-G-T. GRCh37 (hg19) VCF-style: chr5-112090642-G-T.
Other names: c.55G>T, p.Glu19Ter (NM_001127510.3, NM_001354895.2, NM_001354896.2 and 2 more transcripts); c.-981G>T (NM_001354906.2); c.166-11381G>T (NM_001354897.2, NM_001354902.2, NM_001127511.3); c.61-11381G>T (NM_001354898.2, NM_001354904.2); c.-42-11381G>T (NM_001354900.2, NM_001354901.2, NM_001354905.2); short protein forms E19*.
Identifiers: ClinVar variation 970282 (VCV000970282.9), dbSNP rs1754786861, ClinGen allele CA16021460.